The following is an entry in ClinVar:

NM_005732.4(RAD50):c.2398-10_2398-3del

Gene: RAD50 (RAD50 double strand break repair protein; plus strand). Cytogenetic location: 5q31.1.
Variant type: Deletion.
Coding change: c.2398-10_2398-3del on transcript NM_005732.4 (MANE Select); 10 bases into the intron before coding-DNA position 2398 through 3 bases into the intron before coding-DNA position 2398, 8 bases deleted (TATTCTTA; older notation c.2398-10_2398-3delTATTCTTA).
Molecular consequence: intron variant.
Genome position (GRCh38, 1-based): chr5:132,603,910-132,603,917, TATTCTTA deleted; deleting any 8 consecutive bases within chr5:132,603,907-132,603,917 gives the same sequence; the c. name uses the placement nearest the transcript's 3' end. VCF-style (leftmost placement, unchanged base first): chr5-132603906-GTTATATTC-G. GRCh37 (hg19) VCF-style: chr5-131939598-GTTATATTC-G.
Other names: c.2398-10_2398-3delTATTCTTA (NM_005732.3).
Identifiers: ClinVar variation 960175 (VCV000960175.10), dbSNP rs1750932563, ClinGen allele CA1139659061.

ClinVar aggregate classification (germline): Uncertain significance. Review status: criteria provided, multiple submitters, no conflicts (2 of 4 stars). 2 submissions from 2 submitters: Uncertain significance (2). Last evaluated 2022-08-23.

Conditions:
Hereditary cancer-predisposing syndrome. Also called: Tumor predisposition; Hereditary neoplastic syndrome; Neoplastic Syndromes, Hereditary; Hereditary Cancer Syndrome. Identifiers: Orphanet 140162, MedGen C0027672, MeSH D009386, MONDO:0015356.

Submissions (2):

Labcorp Genetics (formerly Invitae), Labcorp
Classification: Uncertain significance for Hereditary cancer-predisposing syndrome. Last evaluated: 2022-08-23. Review status: criteria provided, single submitter. Criteria: Invitae Variant Classification Sherloc (09022015). Collection method: clinical testing. Allele origin: germline.
Comment: In summary, the available evidence is currently insufficient to determine the role of this variant in disease. Therefore, it has been classified as a Variant of Uncertain Significance. Variants that disrupt the consensus splice site are a relatively common cause of aberrant splicing (PMID: 17576681, 9536098). Algorithms developed to predict the effect of sequence changes on RNA splicing suggest that this variant is not likely to affect RNA splicing. ClinVar contains an entry for this variant (Variation ID: 960175). This variant has not been reported in the literature in individuals affected with RAD50-related conditions. This variant is not present in population databases (gnomAD no frequency). This sequence change falls in intron 14 of the RAD50 gene. It does not directly change the encoded amino acid sequence of the RAD50 protein. It affects a nucleotide within the consensus splice site.

Ambry Genetics
Classification: Uncertain significance for Hereditary cancer-predisposing syndrome. Last evaluated: 2020-06-23. Review status: criteria provided, single submitter. Criteria: Ambry Variant Classification Scheme 2023. Collection method: clinical testing. Allele origin: germline.
Comment: The c.2398-10_2398-3delTATTCTTA intronic variant, located in intron 14 of the RAD50 gene, results from a deletion of 8 nucleotides within intron 14 of the RAD50 gene. The nucleotide positions in this region are generally well conserved in available vertebrate species. Using the BDGP and ESEfinder splice site prediction tools, this alteration is predicted to abolish the native splice acceptor site; however, direct evidence is unavailable. Since supporting evidence is limited at this time, the clinical significance of this alteration remains unclear.

Literature cited by the submitters: PubMed 17576681 (cited by Labcorp Genetics (formerly Invitae), Labcorp); PubMed 9536098 (cited by Labcorp Genetics (formerly Invitae), Labcorp).